The following is an entry in ClinVar:

ClinVar aggregate classification (germline): Benign. Review status: criteria provided, multiple submitters, no conflicts (2 of 4 stars). 7 submissions from 7 submitters: Benign (7). Last evaluated 2026-02-03.

Conditions:
Tumoral calcinosis, hyperphosphatemic, familial, 3. Identifiers: MedGen C4693864, MONDO:0060715, OMIM 617994.

Allele frequency attached by ClinVar (database versions not stated): 1000 Genomes Project 30x 0.12836; 1000 Genomes Project 0.12999; gnomAD exomes 0.14119 and 0.15373; ExAC 0.14309; TOPMed 0.14768; gnomAD 0.15619 and 0.15781; ESP Exome Variant Server 0.17123.

Submissions (7):

Labcorp Genetics (formerly Invitae), Labcorp
Classification: Benign. Last evaluated: 2026-02-03. Review status: criteria provided, single submitter. Criteria: Invitae Variant Classification Sherloc (09022015). Collection method: clinical testing. Allele origin: germline.

Blueprint Genetics
Classification: Benign. Last evaluated: 2024-11-27. Review status: criteria provided, single submitter. Criteria: ACMG Guidelines, 2015. Collection method: clinical testing. Allele origin: germline.

Mayo Clinic Laboratories, Mayo Clinic
Classification: Benign. Last evaluated: 2022-09-23. Review status: criteria provided, single submitter. Criteria: ACMG Guidelines, 2015. Collection method: clinical testing. Allele origin: germline. Observed: 54 variant alleles.
Comment: BA1

Genome-Nilou Lab
Classification: Benign for Tumoral calcinosis, hyperphosphatemic, familial, 3. Last evaluated: 2021-08-19. Review status: criteria provided, single submitter. Criteria: ACMG Guidelines, 2015. Collection method: clinical testing. Allele origin: germline. Affected: no.

GeneDx
Classification: Benign. Last evaluated: 2021-05-04. Review status: criteria provided, single submitter. Criteria: GeneDx Variant Classification Process June 2021. Collection method: clinical testing. Allele origin: germline. Affected: yes.
Comment: This variant is associated with the following publications: (PMID: 19421891, 29247834, 15677572, 11792841, 19802015, 24217253, 21376714, 21093413)

Illumina Laboratory Services, Illumina
Classification: Benign for Tumoral calcinosis, hyperphosphatemic, familial, 3. Last evaluated: 2018-03-06. Review status: criteria provided, single submitter. Criteria: ICSL Variant Classification Criteria 13 December 2019. Collection method: clinical testing. Allele origin: germline.
Comment: This variant was observed in the ICSL laboratory as part of a predisposition screen in an ostensibly healthy population. It had not been previously curated by ICSL or reported in the Human Gene Mutation Database (HGMD: prior to June 1st, 2018), and was therefore a candidate for classification through an automated scoring system. Utilizing variant allele frequency, disease prevalence and penetrance estimates, and inheritance mode, an automated score was calculated to assess if this variant is too frequent to cause the disease. Based on the score and internal cut-off values, a variant classified as benign is not then subjected to further curation. The score for this variant resulted in a classification of benign for this disease.

Breakthrough Genomics
Classification: Benign. Review status: criteria provided, single submitter. Criteria: ACMG Guidelines, 2015. Collection method: not provided. Allele origin: germline. Inheritance: Autosomal recessive inheritance. Affected: yes.

NM_004795.4(KL):c.1054T>G (p.Phe352Val)

Gene: KL (klotho; plus strand). Cytogenetic location: 13q13.1.
Variant type: single nucleotide variant.
Coding change: c.1054T>G on transcript NM_004795.4 (MANE Select); coding-DNA position 1054, T replaced by G.
Protein change: p.Phe352Val; replaces phenylalanine 352 with valine.
Molecular consequence: missense variant.
Genome position (GRCh38, 1-based): chr13:33,054,001, T>G. VCF-style: chr13-33054001-T-G. GRCh37 (hg19) VCF-style: chr13-33628138-T-G.
Other names: short protein forms F352V.
Identifiers: ClinVar variation 311690 (VCV000311690.19), dbSNP rs9536314, ClinGen allele CA6944025.
Genomic context (GRCh38, chr13:33,054,001, plus strand): 5'-TTTATTGATGGTGACTATCCCGAGAGCATGAAGAATAACCTTTCATCTATTCTGCCTGAT[T>G]TTACTGAATCTGAGAAAAAGTTCATCAAAGGAACTGCTGACTTTTTTGCTCTTTGCTTTG-3'
Protein context (NP_004786.2, residues 342-362): KNNLSSILPD[Phe352Val]TESEKKFIKG